The following is an entry in ClinVar:

NM_006265.3(RAD21):c.1722_1723del (p.Gly575fs)

Gene: RAD21 (RAD21 cohesin complex component; minus strand). Cytogenetic location: 8q24.11.
Variant type: Deletion.
Coding change: c.1722_1723del on transcript NM_006265.3 (MANE Select); coding-DNA positions 1722 to 1723, 2 bases deleted (TG; older notation c.1722_1723delTG).
Protein change: p.Gly575fs; shifts the reading frame from glycine 575.
Molecular consequence: frameshift variant.
Genome position (GRCh38, 1-based): chr8:116,847,673-116,847,674, CA deleted on the plus strand (TG on the coding strand, the reverse complement: RAD21 is on the minus strand). VCF-style (leftmost placement, unchanged base first): chr8-116847672-CCA-C. GRCh37 (hg19) VCF-style: chr8-117859911-CCA-C.
Other names: c.1722_1723delTG, p.Gly575Serfs (NM_006265.2); short protein forms G575fs.
Identifiers: ClinVar variation 3361510 (VCV003361510.1).

ClinVar aggregate classification (germline): Pathogenic (1 of 4 stars; one submission).

Submission:

GeneDx
Classification: Pathogenic. Last evaluated: 2023-07-27. Review status: criteria provided, single submitter. Criteria: GeneDx Variant Classification Process June 2021. Collection method: clinical testing. Allele origin: germline. Affected: yes.
Comment: Frameshift variant predicted to result in protein truncation, as the last 57 amino acids are replaced with 1 different amino acids, and other loss-of-function variants have been reported downstream at GeneDx; Not observed at significant frequency in large population cohorts (gnomAD); This variant is associated with the following publications: (PMID: 36672860)